The following is an entry in ClinVar:

ClinVar aggregate classification (germline): Uncertain significance. Review status: criteria provided, multiple submitters, no conflicts (2 of 4 stars). 4 submissions from 4 submitters: Uncertain significance (4). Last evaluated 2023-02-23.

Conditions:
Inborn genetic diseases. Identifiers: MedGen C0950123, MeSH D030342.
Autosomal recessive Parkinson disease 14. Also called: DYSTONIA-PARKINSONISM, ADULT-ONSET; PARKINSON DISEASE 14. Identifiers: Orphanet 199351, MedGen C2751842, MONDO:0013060, OMIM 612953.
Infantile neuroaxonal dystrophy (NBIA2A). Also called: NEURODEGENERATION WITH BRAIN IRON ACCUMULATION 2A; SEITELBERGER DISEASE; Infantile neuroaxonal dystrophy 1. Identifiers: Orphanet 35069, MedGen C0270724, MONDO:0024457, OMIM 256600.
Neurodegeneration with brain iron accumulation 2B. Also called: NEUROAXONAL DYSTROPHY, ATYPICAL; NEURODEGENERATION WITH BRAIN IRON ACCUMULATION, PLA2G6-RELATED; aNAD; atypical Neuroaxonal Dystrophy (aNAD). Identifiers: Orphanet 35069, MedGen C1857747, MONDO:0012444, OMIM 610217.

Allele frequency attached by ClinVar (database versions not stated): ExAC 0.00004; gnomAD 0.00004 and 0.00003; TOPMed 0.00002; ESP Exome Variant Server 0.00008; gnomAD exomes 0.00003.

Submissions (4):

Ambry Genetics
Classification: Uncertain significance for Inborn genetic diseases. Last evaluated: 2023-02-23. Review status: criteria provided, single submitter. Criteria: Ambry Variant Classification Scheme 2023. Collection method: clinical testing. Allele origin: germline.

Labcorp Genetics (formerly Invitae), Labcorp
Classification: Uncertain significance for Infantile neuroaxonal dystrophy. Last evaluated: 2022-08-09. Review status: criteria provided, single submitter. Criteria: Invitae Variant Classification Sherloc (09022015). Collection method: clinical testing. Allele origin: germline.
Comment: This sequence change replaces arginine, which is basic and polar, with histidine, which is basic and polar, at codon 285 of the PLA2G6 protein (p.Arg285His). This variant is present in population databases (rs372511574, gnomAD 0.02%). This variant has not been reported in the literature in individuals affected with PLA2G6-related conditions. ClinVar contains an entry for this variant (Variation ID: 1382639). Advanced modeling of protein sequence and biophysical properties (such as structural, functional, and spatial information, amino acid conservation, physicochemical variation, residue mobility, and thermodynamic stability) performed at Invitae indicates that this missense variant is not expected to disrupt PLA2G6 protein function. In summary, the available evidence is currently insufficient to determine the role of this variant in disease. Therefore, it has been classified as a Variant of Uncertain Significance.

GeneDx
Classification: Uncertain significance. Last evaluated: 2022-04-22. Review status: criteria provided, single submitter. Criteria: GeneDx Variant Classification Process June 2021. Collection method: clinical testing. Allele origin: germline. Affected: yes.
Comment: In silico analysis supports that this missense variant has a deleterious effect on protein structure/function; Has not been previously published as pathogenic or benign to our knowledge

Fulgent Genetics
Classification: Uncertain significance for Infantile neuroaxonal dystrophy; Neurodegeneration with brain iron accumulation 2B; Autosomal recessive Parkinson disease 14. Last evaluated: 2021-10-04. Review status: criteria provided, single submitter. Criteria: ACMG Guidelines, 2015. Collection method: clinical testing. Allele origin: unknown.

NM_003560.4(PLA2G6):c.854G>A (p.Arg285His)

Gene: PLA2G6 (phospholipase A2 group VI; minus strand). Cytogenetic location: 22q13.1.
Variant type: single nucleotide variant.
Coding change: c.854G>A on transcript NM_003560.4 (MANE Select); coding-DNA position 854, G replaced by A.
Protein change: p.Arg285His; replaces arginine 285 with histidine.
Molecular consequence: missense variant.
Genome position (GRCh38, 1-based): chr22:38,135,028, C>T on the plus strand (G>A on the coding strand, the complement: PLA2G6 is on the minus strand). VCF-style: chr22-38135028-C-T. GRCh37 (hg19) VCF-style: chr22-38531035-C-T.
Other names: c.854G>A, p.Arg285His (NM_001004426.3, NM_001199562.3, NM_001349864.2 and 2 more transcripts); c.320G>A, p.Arg107His (NM_001349867.2, NM_001349869.2); c.176G>A, p.Arg59His (NM_001349868.2); short protein forms R59H, R285H, R107H.
Identifiers: ClinVar variation 1382639 (VCV001382639.9), dbSNP rs372511574, ClinGen allele CA10231123.
Genomic context (GRCh38, chr22:38,135,028, plus strand): 5'-CCACCTCAGGATCCACTCACCTCTGCGTTCTTGGCCCAGTGGAGGGGGCTGGCTCCGTAA[C>T]GGGGGTCTTTGCTGTGGATCTGGCTGCTGTCCATGCTGATGATCATCTCCGCACACCTGG-3'
Protein context (NP_003551.2, residues 275-295): DSSQIHSKDP[Arg285His]YGASPLHWAK